The following is an entry in ClinVar:

NM_000038.6(APC):c.5933A>T (p.Glu1978Val)

Gene: APC (APC regulator of Wnt signaling pathway; plus strand). Cytogenetic location: 5q22.2.
Variant type: single nucleotide variant.
Coding change: c.5933A>T on transcript NM_000038.6 (MANE Select); coding-DNA position 5933, A replaced by T.
Protein change: p.Glu1978Val; replaces glutamic acid 1978 with valine.
Molecular consequence: missense variant.
Genome position (GRCh38, 1-based): chr5:112,841,527, A>T. VCF-style: chr5-112841527-A-T. GRCh37 (hg19) VCF-style: chr5-112177224-A-T.
Other names: c.5933A>T, p.Glu1978Val (NM_001127510.3, NM_001354895.2); c.5879A>T, p.Glu1960Val (NM_001127511.3); c.5987A>T, p.Glu1996Val (NM_001354896.2); c.5963A>T, p.Glu1988Val (NM_001354897.2); c.5858A>T, p.Glu1953Val (NM_001354898.2); c.5849A>T, p.Glu1950Val (NM_001354899.2); c.5810A>T, p.Glu1937Val (NM_001354900.2); c.5756A>T, p.Glu1919Val (NM_001354901.2); and 5 more; short protein forms E1695V, E1818V, E1852V, E1877V, E1887V, E1919V, E1937V, E1950V.
Identifiers: ClinVar variation 1058269 (VCV001058269.9), dbSNP rs2149952823, ClinGen allele CA16034314.

ClinVar aggregate classification (germline): Uncertain significance (1 of 4 stars; one submission).

Conditions:
Familial adenomatous polyposis 1 (FAP1). Also called: FAMILIAL ADENOMATOUS POLYPOSIS 1, ATTENUATED; POLYPOSIS, ADENOMATOUS INTESTINAL. Identifiers: MedGen C2713442, MONDO:0021056, OMIM 175100. Disease mechanism: loss of function.

Submission:

Labcorp Genetics (formerly Invitae), Labcorp
Classification: Uncertain significance for Familial adenomatous polyposis 1. Last evaluated: 2021-04-09. Review status: criteria provided, single submitter. Criteria: Invitae Variant Classification Sherloc (09022015). Collection method: clinical testing. Allele origin: germline.
Comment: This sequence change replaces glutamic acid with valine at codon 1978 of the APC protein (p.Glu1978Val). The glutamic acid residue is highly conserved and there is a moderate physicochemical difference between glutamic acid and valine. This variant is not present in population databases (ExAC no frequency). This variant has not been reported in the literature in individuals with APC-related conditions. Algorithms developed to predict the effect of missense changes on protein structure and function are either unavailable or do not agree on the potential impact of this missense change (SIFT: "Deleterious"; PolyPhen-2: "Probably Damaging"; Align-GVGD: "Class C0"). Algorithms developed to predict the effect of sequence changes on RNA splicing suggest that this variant may create or strengthen a splice site, but this prediction has not been confirmed by published transcriptional studies. In summary, the available evidence is currently insufficient to determine the role of this variant in disease. Therefore, it has been classified as a Variant of Uncertain Significance.